The following is an entry in ClinVar:

NM_000702.4(ATP1A2):c.847G>A (p.Ala283Thr)

Gene: ATP1A2 (ATPase Na+/K+ transporting subunit alpha 2; plus strand). Cytogenetic location: 1q23.2.
Variant type: single nucleotide variant.
Coding change: c.847G>A on transcript NM_000702.4 (MANE Select); coding-DNA position 847, G replaced by A.
Protein change: p.Ala283Thr; replaces alanine 283 with threonine.
Molecular consequence: missense variant.
Genome position (GRCh38, 1-based): chr1:160,127,650, G>A. VCF-style: chr1-160127650-G-A. GRCh37 (hg19) VCF-style: chr1-160097440-G-A.
Other names: short protein forms A283T.
Identifiers: ClinVar variation 1763534 (VCV001763534.2), dbSNP rs2524865283, ClinGen allele CA343237632.

ClinVar aggregate classification (germline): Uncertain significance (1 of 4 stars; one submission).

Conditions:
Inborn genetic diseases. Identifiers: MedGen C0950123, MeSH D030342.

Submission:

Ambry Genetics
Classification: Uncertain significance for Inborn genetic diseases. Last evaluated: 2020-06-17. Review status: criteria provided, single submitter. Criteria: Ambry Variant Classification Scheme 2023. Collection method: clinical testing. Allele origin: germline.
Comment: The p.A283T variant (also known as c.847G>A), located in coding exon 8 of the ATP1A2 gene, results from a G to A substitution at nucleotide position 847. The alanine at codon 283 is replaced by threonine, an amino acid with similar properties. This amino acid position is highly conserved in available vertebrate species. In addition, the in silico prediction for this alteration is inconclusive. Since supporting evidence is limited at this time, the clinical significance of this alteration remains unclear.